The following is an entry in ClinVar:

NM_001267550.2(TTN):c.72556A>G (p.Lys24186Glu)

Genes: TTN (titin; minus strand), TTN-AS1 (TTN antisense RNA 1; plus strand). Cytogenetic location: 2q31.2.
Variant type: single nucleotide variant.
Coding change: c.72556A>G on transcript NM_001267550.2 (MANE Select); coding-DNA position 72556, A replaced by G.
Protein change: p.Lys24186Glu; replaces lysine 24186 with glutamic acid.
Molecular consequence: missense variant.
Genome position (GRCh38, 1-based): chr2:178,573,576, T>C on the plus strand (A>G on the coding strand, the complement: TTN is on the minus strand). VCF-style: chr2-178573576-T-C. GRCh37 (hg19) VCF-style: chr2-179438303-T-C.
Other names: p.K22545E:AAA>GAA; p.Lys21618Glu; c.67633A>G, p.Lys22545Glu (NM_001256850.1); c.45361A>G, p.Lys15121Glu (NM_003319.4); c.64852A>G, p.Lys21618Glu (NM_133378.4); c.45736A>G, p.Lys15246Glu (NM_133432.3); c.45937A>G, p.Lys15313Glu (NM_133437.4); short protein forms K22545E, K24186E, K15246E, K15121E, K15313E, K21618E.
Identifiers: ClinVar variation 202841 (VCV000202841.6), dbSNP rs768699380, ClinGen allele CA310451.

ClinVar aggregate classification (germline): Uncertain significance. Review status: criteria provided, multiple submitters, no conflicts (2 of 4 stars). 5 submissions from 5 submitters: Uncertain significance (5). Last evaluated 2026-07-07.

Conditions:
TTN-related disorder. Also called: TTN-related condition; TTN-related disease; TTN-related disorders.

Allele frequency attached by ClinVar (database versions not stated): gnomAD exomes below 0.00001 and 0.00001; ExAC 0.00001; TOPMed 0.00005; gnomAD 0.00007 and 0.00009.
gnomAD v4.1: 17 of 1,497,840 alleles (0.0011%); highest among the groups gnomAD compares: African/African-American, 0.024%; no homozygotes.

Submissions (5):

PreventionGenetics, part of Exact Sciences
Classification: Uncertain significance for TTN-related condition. Last evaluated: 2026-07-07. Review status: criteria provided, single submitter. Criteria: ACMG Guidelines, 2015. Collection method: clinical testing. Allele origin: germline.
Comment: The TTN c.72556A>G variant is predicted to result in the amino acid substitution p.Lys24186Glu. To our knowledge, this variant has not been reported in the literature. This variant is reported in 0.022% of alleles in individuals of African descent in gnomAD. At this time, the clinical significance of this variant is uncertain due to the absence of conclusive functional and genetic evidence.

Women's Health and Genetics/Laboratory Corporation of America, LabCorp
Classification: Uncertain significance. Last evaluated: 2025-07-13. Review status: criteria provided, single submitter. Criteria: LabCorp Variant Classification Summary - May 2015. Collection method: clinical testing. Allele origin: germline.

Mayo Clinic Laboratories, Mayo Clinic
Classification: Uncertain significance. Last evaluated: 2024-08-12. Review status: criteria provided, single submitter. Criteria: ACMG Guidelines, 2015. Collection method: clinical testing. Allele origin: germline. Observed: 1 variant allele.
Comment: BP4

ARUP Laboratories, Molecular Genetics and Genomics, ARUP Laboratories
Classification: Uncertain significance. Last evaluated: 2024-07-30. Review status: criteria provided, single submitter. Criteria: ARUP Molecular Germline Variant Investigation Process 2024. Collection method: clinical testing. Allele origin: germline.
Comment: The TTN c.72556A>G; p.Lys24186Glu variant (rs768699380; ClinVar Variation ID: 202841) is rare in the general population (<0.2% allele frequency in the Genome Aggregation Database) and has not been reported in the medical literature in association with dilated cardiomyopathy (DCM) or other TTN-related disease. The clinical relevance of rare missense variants in this gene, which are identified on average once per individual sequenced in affected populations (Herman 2012), is not well understood. Yet, evidence suggests that the vast majority of such missense variants do not contribute to the clinical outcome of DCM (Begay 2015). Thus, the clinical significance of the p.Lys24186Glu variant cannot be determined with certainty References: Begay RL et al. Role of Titin Missense Variants in Dilated Cardiomyopathy. J Am Heart Assoc. 2015 Nov 13;4(11). PMID: 26567375. Herman DS et al. Truncations of titin causing dilated cardiomyopathy. N Engl J Med. 2012 Feb 16;366(7):619-28. PMID: 22335739.

GeneDx
Classification: Uncertain significance. Last evaluated: 2014-10-02. Review status: criteria provided, single submitter. Criteria: GeneDx Variant Classification (06012015). Collection method: clinical testing. Allele origin: germline. Affected: yes.
Comment: Missense variants in the TTN gene are considered 'unclassified' if they are not previously reported in the literature and do not have >1% frequency in the population to be considered a polymorphism. Research indicates that truncating mutations in the TTN gene are expected to account for approximately 25% of familial and 18% of sporadic idiopathic DCM; however, truncating variants in the TTN gene have been reported in approximately 3% of reported control alleles. There has been little investigation into non-truncating variants. (Herman D et al. Truncations of titin causing dilated cardiomyopathy. N Eng J Med 366:619-628, 2012) The variant is found in CARDIOMYOPATHY panel(s).